The following is an entry in ClinVar:

ClinVar aggregate classification (germline): Conflicting classifications of pathogenicity. Review status: criteria provided, conflicting classifications (1 of 4 stars). 8 submissions from 8 submitters: Uncertain significance (7); Likely benign (1). Last evaluated 2026-01-13.

Conditions:
Cardiovascular phenotype. Identifiers: MedGen CN230736.
Arrhythmogenic right ventricular cardiomyopathy (ARVD). Also called: Arrhythmogenic right ventricular dysplasia; Arrhythmogenic cardiomyopathy; Arrhythmogenic Right Ventricular Cardiomyopathy (ARVC); Cardiomyopathy, ARVC. Identifiers: Orphanet 247, MedGen C0349788, MeSH D019571, MONDO:0016587. Disease mechanism: loss of function. Inheritance: Various modes of inheritance.
Cardiomyopathy (CMYO). Also called: Cardiomyopathies. Identifiers: Orphanet 167848, MedGen C0878544, MONDO:0004994, HP:0001638. Inheritance: Various modes of inheritance.
Arrhythmogenic right ventricular dysplasia 9 (ARVD9). Also called: ARRHYTHMOGENIC RIGHT VENTRICULAR DYSPLASIA, FAMILIAL, 9; Arrhythmogenic Right Ventricular Dysplasia/Cardiomyopathy 9. Identifiers: MedGen C1836906, MONDO:0012180, OMIM 609040.

Allele frequency attached by ClinVar (database versions not stated): TOPMed 0.00002; ExAC 0.00007.
gnomAD v4.1: 43 of 1,614,052 alleles (0.0027%); highest among the groups gnomAD compares: Admixed American, 0.025%; no homozygotes.

Submissions (8):

Labcorp Genetics (formerly Invitae), Labcorp
Classification: Uncertain significance for Arrhythmogenic right ventricular dysplasia 9. Last evaluated: 2026-01-13. Review status: criteria provided, single submitter. Criteria: Invitae Variant Classification Sherloc (09022015). Collection method: clinical testing. Allele origin: germline.
Comment: This sequence change replaces threonine, which is neutral and polar, with methionine, which is neutral and non-polar, at codon 710 of the PKP2 protein (p.Thr710Met). This variant is present in population databases (rs397517016, gnomAD 0.03%). This variant has not been reported in the literature in individuals affected with PKP2-related conditions. ClinVar contains an entry for this variant (Variation ID: 45058). An algorithm developed to predict the effect of missense changes on protein structure and function (PolyPhen-2) suggests that this variant is likely to be disruptive. In summary, the available evidence is currently insufficient to determine the role of this variant in disease. Therefore, it has been classified as a Variant of Uncertain Significance.

Color Diagnostics, LLC DBA Color Health
Classification: Likely benign for Cardiomyopathy. Last evaluated: 2024-07-26. Review status: criteria provided, single submitter. Criteria: ACMG Guidelines, 2015. Collection method: clinical testing. Allele origin: germline.

All of Us Research Program, National Institutes of Health
Classification: Uncertain significance for Arrhythmogenic right ventricular cardiomyopathy. Last evaluated: 2024-05-09. Review status: criteria provided, single submitter. Criteria: ACMG Guidelines, 2015. Collection method: clinical testing. Allele origin: germline. Inheritance: Autosomal dominant inheritance. Observed: 6 variant alleles, 6 heterozygotes.
Comment: This missense variant replaces threonine with methionine at codon 710 of the PKP2 protein. Computational prediction tools and conservation analyses suggest that this variant may have deleterious impact on the protein function. Computational splicing tools suggest that this variant may not impact RNA splicing. To our knowledge, functional assays have not been performed for this variant nor has this variant been reported in individuals affected with cardiovascular disorders in the literature. This variant has been identified in 21/251384 chromosomes in the general population by the Genome Aggregation Database (gnomAD). Available evidence is insufficient to determine the role of this variant in disease conclusively. Therefore, this variant is classified as a Variant of Uncertain Significance.

This study involves interpretation of variants in research participants for the purpose of population health screening. Participant phenotype was not available at the time of variant classification. Additional details can be found in publication PMID: 35346344, PMCID: PMC8962531

Clinical Genetics Laboratory, Skane University Hospital Lund
Classification: Uncertain significance. Last evaluated: 2022-05-27. Review status: criteria provided, single submitter. Criteria: ACMG Guidelines, 2015. Collection method: clinical testing. Allele origin: germline. Affected: yes.

Fulgent Genetics
Classification: Uncertain significance for Arrhythmogenic right ventricular dysplasia 9. Last evaluated: 2021-07-26. Review status: criteria provided, single submitter. Criteria: ACMG Guidelines, 2015. Collection method: clinical testing. Allele origin: unknown.

Ambry Genetics
Classification: Uncertain significance for Cardiovascular phenotype. Last evaluated: 2021-05-06. Review status: criteria provided, single submitter. Criteria: Ambry Variant Classification Scheme 2023. Collection method: clinical testing. Allele origin: germline.

ARUP Laboratories, Molecular Genetics and Genomics, ARUP Laboratories
Classification: Uncertain significance for Arrhythmogenic right ventricular dysplasia 9. Last evaluated: 2020-12-21. Review status: criteria provided, single submitter. Criteria: ARUP Molecular Germline Variant Investigation Process 2021. Collection method: clinical testing. Allele origin: germline.
Comment: The PKP2 c.2129C>T; p.Thr710Met variant (rs397517016), to our knowledge, is not reported in the medical literature but is reported in ClinVar (Variation ID: 45058). This variant is found in the Latino population with an overall allele frequency of 0.03% (12/34572 alleles) in the Genome Aggregation Database. The threonine at codon 710 is highly conserved, and computational analyses are uncertain whether this variant is neutral or deleterious (REVEL: 0.365). However, given the lack of clinical and functional data, the significance of the p.Thr710Met variant is uncertain at this time.

Laboratory for Molecular Medicine, Mass General Brigham Personalized Medicine
Classification: Uncertain significance. Last evaluated: 2018-05-21. Review status: criteria provided, single submitter. Criteria: LMM Criteria. Collection method: clinical testing. Allele origin: germline. Observed: 1 variant allele.
Comment: proposed classification - variant undergoing re-assessment, contact laboratory

NM_001005242.3(PKP2):c.1997C>T (p.Thr666Met)

Gene: PKP2 (plakophilin 2; minus strand). Cytogenetic location: 12p11.21.
Variant type: single nucleotide variant.
Coding change: c.1997C>T on transcript NM_001005242.3 (MANE Select); coding-DNA position 1997, C replaced by T.
Protein change: p.Thr666Met; replaces threonine 666 with methionine.
Molecular consequence: missense variant.
Genome position (GRCh38, 1-based): chr12:32,821,372, G>A on the plus strand (C>T on the coding strand, the complement: PKP2 is on the minus strand). VCF-style: chr12-32821372-G-A. GRCh37 (hg19) VCF-style: chr12-32974306-G-A.
Other names: c.2129C>T, p.Thr710Met (NM_004572.4); short protein forms T710M, T666M.
Identifiers: ClinVar variation 45058 (VCV000045058.29), dbSNP rs397517016, ClinGen allele CA011740.